The following is an entry in ClinVar:

NM_001061.7(TBXAS1):c.813C>G (p.Ala271=)

Gene: TBXAS1 (thromboxane A synthase 1; plus strand). Cytogenetic location: 7q34.
Variant type: single nucleotide variant.
Coding change: c.813C>G on transcript NM_001061.7 (MANE Select); coding-DNA position 813, C replaced by G.
Protein change: p.Ala271=; no amino-acid change (alanine 271 retained).
Molecular consequence: synonymous variant.
Genome position (GRCh38, 1-based): chr7:139,957,758, C>G. VCF-style: chr7-139957758-C-G. GRCh37 (hg19) VCF-style: chr7-139657557-C-G.
Other names: c.813C>G, p.Ala271= (NM_001130966.5, NM_030984.6); c.951C>G, p.Ala317= (NM_001166253.4); c.612C>G, p.Ala204= (NM_001166254.4); c.756C>G, p.Ala252= (NM_001314028.4); c.630C>G, p.Ala210= (NM_001366537.3).
Identifiers: ClinVar variation 2682624 (VCV002682624.2), dbSNP rs1391736932, ClinGen allele CA458115235.

ClinVar aggregate classification (germline): Likely benign. Review status: criteria provided, multiple submitters, no conflicts (2 of 4 stars). 2 submissions from 2 submitters: Likely benign (2). Last evaluated 2025-12-15.

Allele frequency attached by ClinVar (database versions not stated): TOPMed 0.00002.
gnomAD v4.1: 4 of 1,613,928 alleles (0.00025%); highest among the groups gnomAD compares: Non-Finnish European, 0.00017%; no homozygotes.

Submissions (2):

Labcorp Genetics (formerly Invitae), Labcorp
Classification: Likely benign. Last evaluated: 2025-12-15. Review status: criteria provided, single submitter. Criteria: Invitae Variant Classification Sherloc (09022015). Collection method: clinical testing. Allele origin: germline.

Women's Health and Genetics/Laboratory Corporation of America, LabCorp
Classification: Likely benign. Last evaluated: 2023-11-18. Review status: criteria provided, single submitter. Criteria: LabCorp Variant Classification Summary - May 2015. Collection method: clinical testing. Allele origin: germline.
Comment: Variant summary: TBXAS1 c.813C>G alters a non-conserved nucleotide resulting in a synonymous change. Consensus agreement among computation tools predict no significant impact on normal splicing. However, these predictions have yet to be confirmed by functional studies. The variant was absent in 251468 control chromosomes. The available data on variant occurrences in the general population are insufficient to allow any conclusion about variant significance. To our knowledge, no occurrence of c.813C>G in individuals affected with Ghosal Hematodiaphyseal Dysplasia and no experimental evidence demonstrating its impact on protein function have been reported. No submitters have cited clinical-significance assessments for this variant to ClinVar after 2014. Based on the evidence outlined above, the variant was classified as likely benign.